The following is an entry in ClinVar:

ClinVar aggregate classification (germline): Benign/Likely benign. Review status: criteria provided, multiple submitters, no conflicts (2 of 4 stars). 10 submissions from 9 submitters: Benign (2); Likely benign (7). 1 of the submissions does not count toward it. Last evaluated 2026-05-01.

Conditions:
MYH9-related disorder. Identifiers: MedGen C1854520.
Autosomal dominant nonsyndromic hearing loss 17. Also called: Autosomal dominant nonsyndromic deafness 17; Deafness, autosomal dominant 17. Identifiers: Orphanet 90635, MedGen C1863659, MONDO:0011350, OMIM 603622.

Allele frequency attached by ClinVar (database versions not stated): ESP Exome Variant Server 0.00038; TOPMed 0.00039; gnomAD exomes 0.00041 and 0.00046; ExAC 0.00043; gnomAD 0.00055 and 0.00056.
gnomAD v4.1: 756 of 1,613,552 alleles (0.047%); highest among the groups gnomAD compares: Non-Finnish European, 0.055%; 4 homozygotes.

Submissions (10):

CeGaT Center for Human Genetics Tuebingen
Classification: Likely benign. Last evaluated: 2026-05-01. Review status: criteria provided, single submitter. Criteria: CeGaT Center For Human Genetics Tuebingen Variant Classification Criteria Version 2. Collection method: clinical testing. Allele origin: germline. Affected: yes. Observed: 10 variant alleles.
Comment: MYH9: BP4, BP7

Labcorp Genetics (formerly Invitae), Labcorp
Classification: Benign. Last evaluated: 2026-01-12. Review status: criteria provided, single submitter. Criteria: Invitae Variant Classification Sherloc (09022015). Collection method: clinical testing. Allele origin: germline.

Mayo Clinic Laboratories, Mayo Clinic
Classification: Likely benign. Last evaluated: 2025-09-29. Review status: criteria provided, single submitter. Criteria: ACMG Guidelines, 2015. Collection method: clinical testing. Allele origin: germline. Observed: 1 variant allele.
Comment: BP4, BP7

Laboratory of Genetics, Children's Clinical University Hospital Latvia
Classification: Likely benign. Last evaluated: 2025-02-16. Review status: criteria provided, single submitter. Criteria: ACMG Guidelines, 2015. Collection method: clinical testing. Allele origin: germline. Affected: yes.

Blueprint Genetics
Classification: Likely benign. Last evaluated: 2024-11-04. Review status: criteria provided, single submitter. Criteria: ACMG Guidelines, 2015. Collection method: clinical testing. Allele origin: germline.

GeneDx
Classification: Likely benign. Last evaluated: 2019-12-16. Review status: criteria provided, single submitter. Criteria: GeneDx Variant Classification Process June 2021. Collection method: clinical testing. Allele origin: germline. Affected: yes.

Illumina Laboratory Services, Illumina
Classification: Likely benign for Autosomal dominant nonsyndromic hearing loss 17. Last evaluated: 2018-01-12. Review status: criteria provided, single submitter. Criteria: ICSL Variant Classification Criteria 13 December 2019. Collection method: clinical testing. Allele origin: germline.
Comment: This variant was observed in the ICSL laboratory as part of a predisposition screen in an ostensibly healthy population. It had not been previously curated by ICSL or reported in the Human Gene Mutation Database (HGMD: prior to June 1st, 2018), and was therefore a candidate for classification through an automated scoring system. Utilizing variant allele frequency, disease prevalence and penetrance estimates, and inheritance mode, an automated score was calculated to assess if this variant is too frequent to cause the disease. Based on the score and internal cut-off values, a variant classified as likely benign is not then subjected to further curation. The score for this variant resulted in a classification of likely benign for this disease.

Illumina Laboratory Services, Illumina
Classification: Benign for MYH9-related disorder. Last evaluated: 2018-01-12. Review status: criteria provided, single submitter. Criteria: ICSL Variant Classification Criteria 13 December 2019. Collection method: clinical testing. Allele origin: germline.
Comment: This variant was observed in the ICSL laboratory as part of a predisposition screen in an ostensibly healthy population. It had not been previously curated by ICSL or reported in the Human Gene Mutation Database (HGMD: prior to June 1st, 2018), and was therefore a candidate for classification through an automated scoring system. Utilizing variant allele frequency, disease prevalence and penetrance estimates, and inheritance mode, an automated score was calculated to assess if this variant is too frequent to cause the disease. Based on the score and internal cut-off values, a variant classified as benign is not then subjected to further curation. The score for this variant resulted in a classification of benign for this disease.

Laboratory for Molecular Medicine, Mass General Brigham Personalized Medicine
Classification: Likely benign. Last evaluated: 2017-03-16. Review status: criteria provided, single submitter. Criteria: LMM Criteria. Collection method: clinical testing. Allele origin: germline. Observed: 4 variant alleles.
Comment: p.Ala1072Ala in Exon 25 of MYH9: This variant is not expected to have clinical s ignificance because it does not alter an amino acid residue, is not located with in the splice consensus sequence, and has been identified in 0.1% (112/ 126526) of European chromosomes by the Genome Aggregation Database (gnomAD; dbSNP rs139441456).

PreventionGenetics, part of Exact Sciences
Classification: Likely benign for MYH9-related condition. Last evaluated: 2020-02-20. Review status: no assertion criteria provided. Collection method: clinical testing. Allele origin: germline. Not counted in ClinVar's aggregate classification.
Comment: This variant is classified as likely benign based on ACMG/AMP sequence variant interpretation guidelines (Richards et al. 2015 PMID: 25741868, with internal and published modifications).

NM_002473.6(MYH9):c.3216G>A (p.Ala1072=)

Gene: MYH9 (myosin heavy chain 9; minus strand). Cytogenetic location: 22q12.3.
Variant type: single nucleotide variant.
Coding change: c.3216G>A on transcript NM_002473.6 (MANE Select); coding-DNA position 3216, G replaced by A.
Protein change: p.Ala1072=; no amino-acid change (alanine 1072 retained).
Molecular consequence: synonymous variant.
Genome position (GRCh38, 1-based): chr22:36,296,899, C>T on the plus strand (G>A on the coding strand, the complement: MYH9 is on the minus strand). VCF-style: chr22-36296899-C-T. GRCh37 (hg19) VCF-style: chr22-36692945-C-T.
Other names: p.Ala1072=.
Identifiers: ClinVar variation 178434 (VCV000178434.47), dbSNP rs139441456, ClinGen allele CA182325.